The following is an entry in ClinVar:

ClinVar aggregate classification (germline): Conflicting classifications of pathogenicity. Review status: criteria provided, conflicting classifications (1 of 4 stars). 2 submissions from 2 submitters: Uncertain significance (1); Likely benign (1). Last evaluated 2025-06-12.

Allele frequency attached by ClinVar (database versions not stated): gnomAD exomes 0.00004; TOPMed 0.00006; gnomAD 0.00007; ExAC 0.00004; 1000 Genomes Project 30x 0.00016; 1000 Genomes Project 0.00020.
gnomAD v4.1: 65 of 1,561,424 alleles (0.0042%); highest among the groups gnomAD compares: African/African-American, 0.023%; no homozygotes.

Submissions (2):

Labcorp Genetics (formerly Invitae), Labcorp
Classification: Uncertain significance. Last evaluated: 2025-06-12. Review status: criteria provided, single submitter. Criteria: Invitae Variant Classification Sherloc (09022015). Collection method: clinical testing. Allele origin: germline.
Comment: This sequence change replaces valine, which is neutral and non-polar, with isoleucine, which is neutral and non-polar, at codon 26 of the CEP89 protein (p.Val26Ile). The frequency data for this variant in the population databases is considered unreliable, as metrics indicate poor data quality at this position in the gnomAD database. This variant has not been reported in the literature in individuals affected with CEP89-related conditions. ClinVar contains an entry for this variant (Variation ID: 2972806). An algorithm developed to predict the effect of missense changes on protein structure and function outputs the following: PolyPhen-2: "Benign". The isoleucine amino acid residue is found in multiple mammalian species, which suggests that this missense change does not adversely affect protein function. In summary, the available evidence is currently insufficient to determine the role of this variant in disease. Therefore, it has been classified as a Variant of Uncertain Significance.

Ambry Genetics
Classification: Likely benign. Last evaluated: 2024-10-17. Review status: criteria provided, single submitter. Criteria: Ambry Variant Classification Scheme 2023. Collection method: clinical testing. Allele origin: germline.

NM_032816.5(CEP89):c.76G>A (p.Val26Ile)

Gene: CEP89 (centrosomal protein 89; minus strand). Cytogenetic location: 19q13.11.
Variant type: single nucleotide variant.
Coding change: c.76G>A on transcript NM_032816.5 (MANE Select); coding-DNA position 76, G replaced by A.
Protein change: p.Val26Ile; replaces valine 26 with isoleucine.
Molecular consequence: missense variant.
Genome position (GRCh38, 1-based): chr19:32,966,430, C>T on the plus strand (G>A on the coding strand, the complement: CEP89 is on the minus strand). VCF-style: chr19-32966430-C-T. GRCh37 (hg19) VCF-style: chr19-33457336-C-T.
Other names: c.76G>A (NM_032816.3); short protein forms V26I.
Identifiers: ClinVar variation 2972806 (VCV002972806.4), dbSNP rs201497197, ClinGen allele CA9359930.